The following is an entry in ClinVar:

ClinVar aggregate classification (germline): Uncertain significance. Review status: criteria provided, multiple submitters, no conflicts (2 of 4 stars). 3 submissions from 3 submitters: Uncertain significance (3). Last evaluated 2024-09-20.

Conditions:
Epilepsy, idiopathic generalized, susceptibility to, 11 (EIG11). Identifiers: Orphanet 307, MedGen C2750893, MONDO:0011875, OMIM 607628.

Allele frequency attached by ClinVar (database versions not stated): gnomAD exomes 0.00001; TOPMed 0.00001; ExAC 0.00002.

Submissions (3):

Blueprint Genetics
Classification: Uncertain significance. Last evaluated: 2024-09-20. Review status: criteria provided, single submitter. Criteria: ACMG Guidelines, 2015. Collection method: clinical testing. Allele origin: germline.

Regional Center For Medical Genetics Timis, Louis Turcanu Emergency Hospital for Children Timisoara
Classification: Uncertain significance for Epilepsy, idiopathic generalized, susceptibility to, 11. Last evaluated: 2024-07-12. Review status: criteria provided, single submitter. Criteria: ACMG Guidelines, 2015. Collection method: research. Allele origin: germline. Affected: yes. Observed: 1 heterozygote.
Comment: This variant is reported in healthy population databases with low frequency (gnomAD v4.1.0 exomes, f = 0.000009914). In silico predictions of this missense variant support pathogenicity. SpliceAI predictions support a possible mild RNA splicing impact of this variant. Therefore, the variant was classified as uncertain with criteria for pathogenicity, according to ACMG 2015 guidelines.

Labcorp Genetics (formerly Invitae), Labcorp
Classification: Uncertain significance. Last evaluated: 2023-08-10. Review status: criteria provided, single submitter. Criteria: Invitae Variant Classification Sherloc (09022015). Collection method: clinical testing. Allele origin: germline.
Comment: In summary, the available evidence is currently insufficient to determine the role of this variant in disease. Therefore, it has been classified as a Variant of Uncertain Significance. Advanced modeling of protein sequence and biophysical properties (such as structural, functional, and spatial information, amino acid conservation, physicochemical variation, residue mobility, and thermodynamic stability) has been performed at Invitae for this missense variant, however the output from this modeling did not meet the statistical confidence thresholds required to predict the impact of this variant on CLCN2 protein function. This variant has not been reported in the literature in individuals affected with CLCN2-related conditions. This variant is present in population databases (rs757494232, gnomAD 0.004%). This sequence change replaces aspartic acid, which is acidic and polar, with asparagine, which is neutral and polar, at codon 313 of the CLCN2 protein (p.Asp313Asn).

NM_004366.6(CLCN2):c.937G>A (p.Asp313Asn)

Gene: CLCN2 (chloride voltage-gated channel 2; minus strand). Cytogenetic location: 3q27.1.
Variant type: single nucleotide variant.
Coding change: c.937G>A on transcript NM_004366.6 (MANE Select); coding-DNA position 937, G replaced by A.
Protein change: p.Asp313Asn; replaces aspartic acid 313 with asparagine.
Molecular consequence: missense variant.
Genome position (GRCh38, 1-based): chr3:184,357,228, C>T on the plus strand (G>A on the coding strand, the complement: CLCN2 is on the minus strand). VCF-style: chr3-184357228-C-T. GRCh37 (hg19) VCF-style: chr3-184075016-C-T.
Other names: c.937G>A, p.Asp313Asn (NM_001171087.3, NM_001171089.3); c.805G>A, p.Asp269Asn (NM_001171088.3); short protein forms D269N, D313N.
Identifiers: ClinVar variation 2971756 (VCV002971756.6), dbSNP rs757494232, ClinGen allele CA2734294.